The following is an entry in ClinVar:

ClinVar aggregate classification (germline): Likely benign. Review status: criteria provided, multiple submitters, no conflicts (2 of 4 stars). 3 submissions from 3 submitters: Likely benign (3). Last evaluated 2024-10-27.

Conditions:
USH1C-related disorder. Also called: USH1C-related condition.

Allele frequency attached by ClinVar (database versions not stated): TOPMed 0.00003; gnomAD 0.00004; gnomAD exomes 0.00006 and 0.00010; ExAC 0.00009; ESP Exome Variant Server 0.00015.
gnomAD v4.1: 140 of 1,611,176 alleles (0.0087%); highest among the groups gnomAD compares: Non-Finnish European, 0.01%; no homozygotes.

Submissions (3):

PreventionGenetics, part of Exact Sciences
Classification: Likely benign for USH1C-related condition. Last evaluated: 2024-10-27. Review status: criteria provided, single submitter. Criteria: ACMG Guidelines, 2015. Collection method: clinical testing. Allele origin: germline.
Comment: This variant is classified as likely benign based on ACMG/AMP sequence variant interpretation guidelines (Richards et al. 2015 PMID: 25741868, with internal and published modifications).

Blueprint Genetics
Classification: Likely benign. Last evaluated: 2024-10-11. Review status: criteria provided, single submitter. Criteria: ACMG Guidelines, 2015. Collection method: clinical testing. Allele origin: germline.

Labcorp Genetics (formerly Invitae), Labcorp
Classification: Likely benign. Last evaluated: 2024-02-18. Review status: criteria provided, single submitter. Criteria: Invitae Variant Classification Sherloc (09022015). Collection method: clinical testing. Allele origin: germline.

NM_153676.4(USH1C):c.396C>T (p.Asp132=)

Gene: USH1C (USH1 protein network component harmonin; minus strand). Cytogenetic location: 11p15.1.
Variant type: single nucleotide variant.
Coding change: c.396C>T on transcript NM_153676.4 (MANE Select); coding-DNA position 396, C replaced by T.
Protein change: p.Asp132=; no amino-acid change (aspartic acid 132 retained).
Molecular consequence: synonymous variant. On other transcripts: non-coding transcript variant (1).
Genome position (GRCh38, 1-based): chr11:17,527,323, G>A on the plus strand (C>T on the coding strand, the complement: USH1C is on the minus strand). VCF-style: chr11-17527323-G-A. GRCh37 (hg19) VCF-style: chr11-17548870-G-A.
Other names: c.396C>T, p.Asp132= (NM_001297764.2, NM_005709.4); c.396C>T (NM_153676.3).
Identifiers: ClinVar variation 1079287 (VCV001079287.11), dbSNP rs150522757, ClinGen allele CA5905057.
Genomic context (GRCh38, chr11:17,527,323, plus strand): 5'-GTTGATGACCTCCTCATGGGTACAGGAGGAGATGGAATATCCATTGATCCGGACGATCTC[G>A]TCCCCTACCTTGACCACAGAGAGAGGCAGGGAGCACCAGGTGGAGGGAGCATCAGGCAGT-3'
Protein context (NP_710142.1, residues 122-142): QADSVGLQVG[Asp132=]EIVRINGYSI